The following is an entry in ClinVar:

NM_006929.5(SKIC2):c.1019T>C (p.Val340Ala)

Genes: SKIC2 (SKI2 subunit of superkiller complex; plus strand), LOC126859653 (CDK7 strongly-dependent group 2 enhancer GRCh37_chr6:31929542-31930741; plus strand). Cytogenetic location: 6p21.33.
Variant type: single nucleotide variant.
Coding change: c.1019T>C on transcript NM_006929.5 (MANE Select); coding-DNA position 1019, T replaced by C.
Protein change: p.Val340Ala; replaces valine 340 with alanine.
Molecular consequence: missense variant.
Genome position (GRCh38, 1-based): chr6:31,962,009, T>C. VCF-style: chr6-31962009-T-C. GRCh37 (hg19) VCF-style: chr6-31929786-T-C.
Other names: short protein forms V340A.
Identifiers: ClinVar variation 1361031 (VCV001361031.5), dbSNP rs200093212, ClinGen allele CA3729320.

ClinVar aggregate classification (germline): Uncertain significance (1 of 4 stars; one submission).

Allele frequency attached by ClinVar (database versions not stated): ExAC 0.00003; gnomAD 0.00006 and 0.00009; gnomAD exomes 0.00008 and 0.00013; TOPMed 0.00008; ESP Exome Variant Server 0.00012.
gnomAD v4.1: 206 of 1,612,914 alleles (0.013%); highest among the groups gnomAD compares: Non-Finnish European, 0.016%; no homozygotes.

Submission:

Labcorp Genetics (formerly Invitae), Labcorp
Classification: Uncertain significance. Last evaluated: 2022-06-27. Review status: criteria provided, single submitter. Criteria: Invitae Variant Classification Sherloc (09022015). Collection method: clinical testing. Allele origin: germline.
Comment: This sequence change replaces valine, which is neutral and non-polar, with alanine, which is neutral and non-polar, at codon 340 of the SKIV2L protein (p.Val340Ala). This variant is present in population databases (rs200093212, gnomAD 0.01%). This variant has not been reported in the literature in individuals affected with SKIV2L-related conditions. Algorithms developed to predict the effect of missense changes on protein structure and function are either unavailable or do not agree on the potential impact of this missense change (SIFT: "Deleterious"; PolyPhen-2: "Probably Damaging"; Align-GVGD: "Class C0"). In summary, the available evidence is currently insufficient to determine the role of this variant in disease. Therefore, it has been classified as a Variant of Uncertain Significance.